The following is an entry in ClinVar:

ClinVar aggregate classification (germline): Uncertain significance (1 of 4 stars; one submission).

Submission:

Labcorp Genetics (formerly Invitae), Labcorp
Classification: Uncertain significance. Last evaluated: 2021-11-01. Review status: criteria provided, single submitter. Criteria: Invitae Variant Classification Sherloc (09022015). Collection method: clinical testing. Allele origin: germline.
Comment: This variant is not present in population databases (gnomAD no frequency). This sequence change replaces asparagine, which is neutral and polar, with serine, which is neutral and polar, at codon 1484 of the DSCAML1 protein (p.Asn1484Ser). This variant has not been reported in the literature in individuals affected with DSCAML1-related conditions. In summary, the available evidence is currently insufficient to determine the role of this variant in disease. Therefore, it has been classified as a Variant of Uncertain Significance. Algorithms developed to predict the effect of missense changes on protein structure and function are either unavailable or do not agree on the potential impact of this missense change (SIFT: "Tolerated"; PolyPhen-2: "Possibly Damaging"; Align-GVGD: "Class C0").

NM_020693.4(DSCAML1):c.4271A>G (p.Asn1424Ser)

Gene: DSCAML1 (DS cell adhesion molecule like 1; minus strand). Cytogenetic location: 11q23.3.
Variant type: single nucleotide variant.
Coding change: c.4271A>G on transcript NM_020693.4 (MANE Select); coding-DNA position 4271, A replaced by G.
Protein change: p.Asn1424Ser; replaces asparagine 1424 with serine.
Molecular consequence: missense variant.
Genome position (GRCh38, 1-based): chr11:117,438,056, T>C on the plus strand (A>G on the coding strand, the complement: DSCAML1 is on the minus strand). VCF-style: chr11-117438056-T-C. GRCh37 (hg19) VCF-style: chr11-117308772-T-C.
Other names: short protein forms N1424S.
Identifiers: ClinVar variation 1348731 (VCV001348731.6), dbSNP rs2137076917, ClinGen allele CA382759827.